The following is an entry in ClinVar:

NM_006929.5(SKIC2):c.1705G>A (p.Val569Met)

Gene: SKIC2 (SKI2 subunit of superkiller complex; plus strand). Cytogenetic location: 6p21.33.
Variant type: single nucleotide variant.
Coding change: c.1705G>A on transcript NM_006929.5 (MANE Select); coding-DNA position 1705, G replaced by A.
Protein change: p.Val569Met; replaces valine 569 with methionine.
Molecular consequence: missense variant.
Genome position (GRCh38, 1-based): chr6:31,963,970, G>A. VCF-style: chr6-31963970-G-A. GRCh37 (hg19) VCF-style: chr6-31931747-G-A.
Other names: p.Val569Met; short protein forms V569M.
Identifiers: ClinVar variation 356328 (VCV000356328.43), dbSNP rs144147284, ClinGen allele CA3729564.
Genomic context (GRCh38, chr6:31,963,970, plus strand): 5'-CAGGACCGCGGAGTGTACCTGTCCCTCCTGGCCTCCCTCCGCACACGTGCCCAGTTGCCC[G>A]TGGTGGTGTTCACCTTCTCCCGGGGCCGCTGTGATGAGCAGGCCTCAGGCCTCACCTCCC-3'
Protein context (NP_008860.4, residues 559-579): ASLRTRAQLP[Val569Met]VVFTFSRGRC

ClinVar aggregate classification (germline): Benign/Likely benign. Review status: criteria provided, multiple submitters, no conflicts (2 of 4 stars). 9 submissions from 9 submitters: Benign (1); Likely benign (5). 3 of the submissions do not count toward it. Last evaluated 2026-04-01.

Conditions:
SKIC2-related disorder. Also called: SKIC2-related condition.
Trichohepatoenteric syndrome 2 (THES2). Identifiers: Orphanet 84064, MedGen C3281289, MONDO:0013818, OMIM 614602.

Allele frequency attached by ClinVar (database versions not stated): 1000 Genomes Project 30x 0.00156; 1000 Genomes Project 0.00160; ESP Exome Variant Server 0.00166; gnomAD 0.00185 and 0.00195; TOPMed 0.00266.
gnomAD v4.1: 3,156 of 1,612,356 alleles (0.2%); highest among the groups gnomAD compares: Middle Eastern, 0.4%; 5 homozygotes.

Submissions (9):

CeGaT Center for Human Genetics Tuebingen
Classification: Likely benign. Last evaluated: 2026-04-01. Review status: criteria provided, single submitter. Criteria: CeGaT Center For Human Genetics Tuebingen Variant Classification Criteria Version 2. Collection method: clinical testing. Allele origin: germline. Affected: yes. Observed: 3 variant alleles.
Comment: SKIC2: BS2

Labcorp Genetics (formerly Invitae), Labcorp
Classification: Benign. Last evaluated: 2026-02-04. Review status: criteria provided, single submitter. Criteria: Invitae Variant Classification Sherloc (09022015). Collection method: clinical testing. Allele origin: germline.

Mayo Clinic Laboratories, Mayo Clinic
Classification: Likely benign. Last evaluated: 2025-09-04. Review status: criteria provided, single submitter. Criteria: ACMG Guidelines, 2015. Collection method: clinical testing. Allele origin: germline. Observed: 4 variant alleles.
Comment: BS1

Blueprint Genetics
Classification: Likely benign. Last evaluated: 2024-11-17. Review status: criteria provided, single submitter. Criteria: ACMG Guidelines, 2015. Collection method: clinical testing. Allele origin: germline.

Fulgent Genetics
Classification: Likely benign for Trichohepatoenteric syndrome 2. Last evaluated: 2022-04-09. Review status: criteria provided, single submitter. Criteria: ACMG Guidelines, 2015. Collection method: clinical testing. Allele origin: unknown.

Illumina Laboratory Services, Illumina
Classification: Likely benign for Trichohepatoenteric syndrome 2. Last evaluated: 2018-01-13. Review status: criteria provided, single submitter. Criteria: ICSL Variant Classification Criteria 13 December 2019. Collection method: clinical testing. Allele origin: germline.
Comment: This variant was observed in the ICSL laboratory as part of a predisposition screen in an ostensibly healthy population. It had not been previously curated by ICSL or reported in the Human Gene Mutation Database (HGMD: prior to June 1st, 2018), and was therefore a candidate for classification through an automated scoring system. Utilizing variant allele frequency, disease prevalence and penetrance estimates, and inheritance mode, an automated score was calculated to assess if this variant is too frequent to cause the disease. Based on the score and internal cut-off values, a variant classified as likely benign is not then subjected to further curation. The score for this variant resulted in a classification of likely benign for this disease.

PreventionGenetics, part of Exact Sciences
Classification: Likely benign for SKIC2-related condition. Last evaluated: 2022-05-19. Review status: no assertion criteria provided. Collection method: clinical testing. Allele origin: germline. Not counted in ClinVar's aggregate classification.
Comment: This variant is classified as likely benign based on ACMG/AMP sequence variant interpretation guidelines (Richards et al. 2015 PMID: 25741868, with internal and published modifications).

Clinical Genetics DNA and cytogenetics Diagnostics Lab, Erasmus MC, Erasmus Medical Center
Classification: Likely benign. Review status: no assertion criteria provided. Collection method: clinical testing. Allele origin: germline. Affected: yes. Study: VKGL Data-share Consensus. Not counted in ClinVar's aggregate classification.

Genome Diagnostics Laboratory, University Medical Center Utrecht
Classification: Likely benign. Review status: no assertion criteria provided. Collection method: clinical testing. Allele origin: germline. Affected: yes. Study: VKGL Data-share Consensus. Not counted in ClinVar's aggregate classification.